The following is an entry in ClinVar:

ClinVar aggregate classification (germline): Conflicting classifications of pathogenicity. Review status: criteria provided, conflicting classifications (1 of 4 stars). 2 submissions from 2 submitters: Uncertain significance (1); Likely benign (1). Last evaluated 2023-06-16.

Conditions:
Spermatogenic failure 18. Identifiers: MedGen C4539783, MONDO:0054615, OMIM 617576.
Ciliary dyskinesia, primary, 37 (CILD37). Also called: CILIARY DYSKINESIA, PRIMARY, 37, WITH OR WITHOUT SITUS INVERSUS. Identifiers: MedGen C4539798, MONDO:0033204, OMIM 617577.

Allele frequency attached by ClinVar (database versions not stated): ExAC 0.00004; TOPMed 0.00007; ESP Exome Variant Server 0.00008; gnomAD 0.00009.
gnomAD v4.1: 39 of 1,612,778 alleles (0.0024%); highest among the groups gnomAD compares: African/African-American, 0.02%; no homozygotes.

Submissions (2):

Ambry Genetics
Classification: Likely benign. Last evaluated: 2023-06-16. Review status: criteria provided, single submitter. Criteria: Ambry Variant Classification Scheme 2023. Collection method: clinical testing. Allele origin: germline.

Labcorp Genetics (formerly Invitae), Labcorp
Classification: Uncertain significance for Ciliary dyskinesia, primary, 37; Spermatogenic failure 18. Last evaluated: 2022-08-21. Review status: criteria provided, single submitter. Criteria: Invitae Variant Classification Sherloc (09022015). Collection method: clinical testing. Allele origin: germline.
Comment: This sequence change replaces alanine, which is neutral and non-polar, with threonine, which is neutral and polar, at codon 372 of the DNAH1 protein (p.Ala372Thr). This variant is present in population databases (rs371745464, gnomAD 0.03%). This variant has not been reported in the literature in individuals affected with DNAH1-related conditions. Algorithms developed to predict the effect of missense changes on protein structure and function output the following: SIFT: "Tolerated"; PolyPhen-2: "Benign"; Align-GVGD: "Class C0". The threonine amino acid residue is found in multiple mammalian species, which suggests that this missense change does not adversely affect protein function. In summary, the available evidence is currently insufficient to determine the role of this variant in disease. Therefore, it has been classified as a Variant of Uncertain Significance.

NM_015512.5(DNAH1):c.1114G>A (p.Ala372Thr)

Gene: DNAH1 (dynein axonemal heavy chain 1; plus strand). Cytogenetic location: 3p21.1.
Variant type: single nucleotide variant.
Coding change: c.1114G>A on transcript NM_015512.5 (MANE Select); coding-DNA position 1114, G replaced by A.
Protein change: p.Ala372Thr; replaces alanine 372 with threonine.
Molecular consequence: missense variant.
Genome position (GRCh38, 1-based): chr3:52,332,222, G>A. VCF-style: chr3-52332222-G-A. GRCh37 (hg19) VCF-style: chr3-52366238-G-A.
Other names: c.1114G>A (NM_015512.4); short protein forms A372T.
Identifiers: ClinVar variation 2039974 (VCV002039974.3), dbSNP rs371745464, ClinGen allele CA2432878.